The following is an entry in ClinVar:

NM_013436.5(NCKAP1):c.1702G>A (p.Ala568Thr)

Gene: NCKAP1 (NCK associated protein 1; minus strand). Cytogenetic location: 2q32.1.
Variant type: single nucleotide variant.
Coding change: c.1702G>A on transcript NM_013436.5 (MANE Select); coding-DNA position 1702, G replaced by A.
Protein change: p.Ala568Thr; replaces alanine 568 with threonine.
Molecular consequence: missense variant.
Genome position (GRCh38, 1-based): chr2:182,964,735, C>T on the plus strand (G>A on the coding strand, the complement: NCKAP1 is on the minus strand). VCF-style: chr2-182964735-C-T. GRCh37 (hg19) VCF-style: chr2-183829463-C-T.
Other names: c.1720G>A, p.Ala574Thr (NM_205842.3); short protein forms A568T, A574T.
Identifiers: ClinVar variation 3364254 (VCV003364254.1).

ClinVar aggregate classification (germline): Uncertain significance (1 of 4 stars; one submission).

Submission:

GeneDx
Classification: Uncertain significance. Last evaluated: 2023-11-12. Review status: criteria provided, single submitter. Criteria: GeneDx Variant Classification Process June 2021. Collection method: clinical testing. Allele origin: germline. Affected: yes.
Comment: Not observed at significant frequency in large population cohorts (gnomAD); In silico analysis supports that this missense variant has a deleterious effect on protein structure/function; Has not been previously published as pathogenic or benign to our knowledge